The following is an entry in ClinVar:

ClinVar aggregate classification (germline): Uncertain significance (1 of 4 stars; one submission).

Allele frequency attached by ClinVar (database versions not stated): gnomAD 0.00002 and 0.00005; TOPMed 0.00003; gnomAD exomes 0.00004 and 0.00010; ExAC 0.00013; 1000 Genomes Project 30x 0.00016; 1000 Genomes Project 0.00020.

Submission:

Labcorp Genetics (formerly Invitae), Labcorp
Classification: Uncertain significance. Last evaluated: 2021-09-24. Review status: criteria provided, single submitter. Criteria: Invitae Variant Classification Sherloc (09022015). Collection method: clinical testing. Allele origin: germline.
Comment: In summary, the available evidence is currently insufficient to determine the role of this variant in disease. Therefore, it has been classified as a Variant of Uncertain Significance. Algorithms developed to predict the effect of missense changes on protein structure and function are either unavailable or do not agree on the potential impact of this missense change (SIFT: "Deleterious"; PolyPhen-2: "Benign"; Align-GVGD: "Class C0"). This variant has not been reported in the literature in individuals affected with CRAT-related conditions. This variant is present in population databases (rs200033105, ExAC 0.05%). This sequence change replaces arginine with histidine at codon 27 of the CRAT protein (p.Arg27His). The arginine residue is moderately conserved and there is a small physicochemical difference between arginine and histidine.

NM_000755.5(CRAT):c.80G>A (p.Arg27His)

Gene: CRAT (carnitine O-acetyltransferase; minus strand). Cytogenetic location: 9q34.11.
Variant type: single nucleotide variant.
Coding change: c.80G>A on transcript NM_000755.5 (MANE Select); coding-DNA position 80, G replaced by A.
Protein change: p.Arg27His; replaces arginine 27 with histidine.
Molecular consequence: missense variant.
Genome position (GRCh38, 1-based): chr9:129,108,025, C>T on the plus strand (G>A on the coding strand, the complement: CRAT is on the minus strand). VCF-style: chr9-129108025-C-T. GRCh37 (hg19) VCF-style: chr9-131870304-C-T.
Other names: c.17G>A, p.Arg6His (NM_001257363.3, NM_001346548.2, NM_004003.4); c.83G>A, p.Arg28His (NM_001346546.2); c.80G>A, p.Arg27His (NM_001346547.2, NM_001346549.2); short protein forms R27H, R28H, R6H.
Identifiers: ClinVar variation 1449467 (VCV001449467.6), dbSNP rs200033105, ClinGen allele CA5275878.
Genomic context (GRCh38, chr9:129,108,025, plus strand): 5'-AGGGACTGCTGGAGAGGGGGCACGGGCAGCCGTGGCAGTGCATCCTGGTGTGCCTTGAAG[C>T]GGCTGGAAGCCTTCATCAAGGAGAAGGGCTTCAGGAAGCCCAGAGGCTTCACCTGCAGGT-3'
Protein context (NP_000746.3, residues 17-37): KPFSLMKASS[Arg27His]FKAHQDALPR